The following is an entry in ClinVar:

NM_000245.4(MET):c.1058C>T (p.Ser353Phe)

Gene: MET (MET proto-oncogene, receptor tyrosine kinase; plus strand). Cytogenetic location: 7q31.2.
Variant type: single nucleotide variant.
Coding change: c.1058C>T on transcript NM_000245.4 (MANE Select); coding-DNA position 1058, C replaced by T.
Protein change: p.Ser353Phe; replaces serine 353 with phenylalanine.
Molecular consequence: missense variant. On other transcripts: intron variant (1).
Genome position (GRCh38, 1-based): chr7:116,700,142, C>T. VCF-style: chr7-116700142-C-T. GRCh37 (hg19) VCF-style: chr7-116340196-C-T.
Other names: c.1058C>T, p.Ser353Phe (NM_001127500.3, NM_001324401.3); c.-91+27565C>T (NM_001324402.2); short protein forms S353F.
Identifiers: ClinVar variation 843762 (VCV000843762.14), dbSNP rs1791516755, ClinGen allele CA368970450.

ClinVar aggregate classification (germline): Uncertain significance. Review status: criteria provided, multiple submitters, no conflicts (2 of 4 stars). 2 submissions from 2 submitters: Uncertain significance (2). Last evaluated 2025-05-29.

Conditions:
Renal cell carcinoma. Identifiers: Orphanet 217071, MedGen C0007134, MeSH D002292, MONDO:0005086, HP:0005584.
Hereditary cancer-predisposing syndrome. Also called: Hereditary Cancer Syndrome; Hereditary neoplastic syndrome; Tumor predisposition; Neoplastic Syndromes, Hereditary. Identifiers: Orphanet 140162, MedGen C0027672, MeSH D009386, MONDO:0015356.

Allele frequency attached by ClinVar (database versions not stated): gnomAD exomes below 0.00001.

Submissions (2):

Ambry Genetics
Classification: Uncertain significance for Hereditary cancer-predisposing syndrome. Last evaluated: 2025-05-29. Review status: criteria provided, single submitter. Criteria: Ambry Variant Classification Scheme 2023. Collection method: clinical testing. Allele origin: germline.
Comment: The p.S353F variant (also known as c.1058C>T), located in coding exon 1 of the MET gene, results from a C to T substitution at nucleotide position 1058. The serine at codon 353 is replaced by phenylalanine, an amino acid with highly dissimilar properties. This amino acid position is highly conserved in available vertebrate species. In addition, the in silico prediction for this alteration is inconclusive. Based on the available evidence, the clinical significance of this variant remains unclear.

Labcorp Genetics (formerly Invitae), Labcorp
Classification: Uncertain significance for Renal cell carcinoma. Last evaluated: 2023-02-01. Review status: criteria provided, single submitter. Criteria: Invitae Variant Classification Sherloc (09022015). Collection method: clinical testing. Allele origin: germline.
Comment: This sequence change replaces serine, which is neutral and polar, with phenylalanine, which is neutral and non-polar, at codon 353 of the MET protein (p.Ser353Phe). This variant is not present in population databases (gnomAD no frequency). This variant has not been reported in the literature in individuals affected with MET-related conditions. ClinVar contains an entry for this variant (Variation ID: 843762). Advanced modeling of protein sequence and biophysical properties (such as structural, functional, and spatial information, amino acid conservation, physicochemical variation, residue mobility, and thermodynamic stability) performed at Invitae indicates that this missense variant is expected to disrupt MET protein function. In summary, the available evidence is currently insufficient to determine the role of this variant in disease. Therefore, it has been classified as a Variant of Uncertain Significance.